The following is an entry in ClinVar:

ClinVar aggregate classification (germline): Uncertain significance (1 of 4 stars; one submission).

Submission:

Athena Diagnostics
Classification: Uncertain significance. Last evaluated: 2023-11-07. Review status: criteria provided, single submitter. Criteria: Athena Diagnostics Criteria. Collection method: clinical testing. Allele origin: unknown.
Comment: Available data are insufficient to determine the clinical significance of the variant at this time. This variant has not been reported in large, multi-ethnic general populations. Computational tools disagree on the variant's effect on normal protein function.

NM_182961.4(SYNE1):c.10189_10191delinsAGA (p.Gly3397Arg)

Gene: SYNE1 (spectrin repeat containing nuclear envelope protein 1; minus strand). Cytogenetic location: 6q25.2.
Variant type: Indel.
Coding change: c.10189_10191delinsAGA on transcript NM_182961.4 (MANE Select); coding-DNA positions 10189 to 10191, GGC replaced by AGA.
Protein change: p.Gly3397Arg; replaces glycine 3397 with arginine.
Molecular consequence: missense variant.
Genome position (GRCh38, 1-based): chr6:152,362,278-152,362,280, GCC replaced by TCT on the plus strand (GGC replaced by AGA on the coding strand, the reverse complement: SYNE1 is on the minus strand). VCF-style: chr6-152362278-GCC-TCT. GRCh37 (hg19) VCF-style: chr6-152683413-GCC-TCT.
Other names: c.10210_10212delinsAGA, p.Gly3404Arg (NM_033071.5); short protein forms G3404R, G3397R.
Identifiers: ClinVar variation 3571663 (VCV003571663.1).
Genomic context (GRCh38, chr6:152,362,278, plus strand): 5'-CCTTTCTGATTCATTCAGGTTGGCTTCCATACTATCCATCCAACCGGAGAACTGTCGAAC[GCC>TCT]ATCCTGATAACTTGTCCACTTGGAGAGAGCTCCTTCGAGTTGGCTGAAAGGGATTTGAAA-3'
Protein context (NP_892006.3, residues 3387-3407): ALSKWTSYQD[Gly3397Arg]VRQFSGWMDS